The following is an entry in ClinVar:

NM_004387.4(NKX2-5):c.590G>A (p.Arg197Gln)

Gene: NKX2-5 (NK2 homeobox 5; minus strand). Cytogenetic location: 5q35.1.
Variant type: single nucleotide variant.
Coding change: c.590G>A on transcript NM_004387.4 (MANE Select); coding-DNA position 590, G replaced by A.
Protein change: p.Arg197Gln; replaces arginine 197 with glutamine.
Molecular consequence: missense variant. On other transcripts: 3 prime UTR variant (2).
Genome position (GRCh38, 1-based): chr5:173,232,954, C>T on the plus strand (G>A on the coding strand, the complement: NKX2-5 is on the minus strand). VCF-style: chr5-173232954-C-T. GRCh37 (hg19) VCF-style: chr5-172659957-C-T.
Other names: c.*543G>A (NM_001166175.2); c.*389G>A (NM_001166176.2); short protein forms R197Q.
Identifiers: ClinVar variation 451393 (VCV000451393.2), dbSNP rs774482632, ClinGen allele CA362161542.

ClinVar aggregate classification (germline): Uncertain significance (1 of 4 stars; one submission).

Allele frequency attached by ClinVar (database versions not stated): TOPMed 0.00002.
gnomAD v4.1: 1 of 1,608,508 alleles (0.000062%); highest among the groups gnomAD compares: Non-Finnish European, 0.000085%; no homozygotes.

Submission:

GeneDx
Classification: Uncertain significance. Last evaluated: 2017-08-14. Review status: criteria provided, single submitter. Criteria: GeneDx Variant Classification (06012015). Collection method: clinical testing. Allele origin: germline. Affected: yes.
Comment: The R197Q variant in the NKX2-5 gene has not been reported previously as a pathogenic variant, nor as a benign variant, to our knowledge. The R197Q variant is not observed in large population cohorts (Lek et al., 2016; 1000 Genomes Consortium et al., 2015; Exome Variant Server). The R197Q variant is a semi-conservative amino acid substitution, which may impact secondary protein structure as these residues differ in some properties. This substitution occurs at a position that is conserved across species. In silico analysis predicts this variant is probably damaging to the protein structure/function. We interpret R197Q as a variant of uncertain significance